The following is an entry in ClinVar:

NM_003265.3(TLR3):c.2710C>T (p.His904Tyr)

Gene: TLR3 (toll like receptor 3; plus strand). Cytogenetic location: 4q35.1.
Variant type: single nucleotide variant.
Coding change: c.2710C>T on transcript NM_003265.3 (MANE Select); coding-DNA position 2710, C replaced by T.
Protein change: p.His904Tyr; replaces histidine 904 with tyrosine.
Molecular consequence: missense variant.
Genome position (GRCh38, 1-based): chr4:186,084,868, C>T. VCF-style: chr4-186084868-C-T. GRCh37 (hg19) VCF-style: chr4-187006022-C-T.
Other names: short protein forms H904Y.
Identifiers: ClinVar variation 856926 (VCV000856926.10), dbSNP rs368223739, ClinGen allele CA3161630.

ClinVar aggregate classification (germline): Uncertain significance. Review status: criteria provided, multiple submitters, no conflicts (2 of 4 stars). 2 submissions from 2 submitters: Uncertain significance (2). Last evaluated 2025-09-30.

Conditions:
Encephalopathy, acute, infection-induced (herpes-specific), susceptibility to, 1. Also called: Herpes simplex encephalitis, susceptibility to, 1. Identifiers: Orphanet 1930, MedGen C2750180, MONDO:0024563, OMIM 610551.

Allele frequency attached by ClinVar (database versions not stated): ExAC 0.00006; TOPMed 0.00008; gnomAD 0.00005 and 0.00007; gnomAD exomes 0.00011 and 0.00005; ESP Exome Variant Server 0.00015.

Submissions (2):

Labcorp Genetics (formerly Invitae), Labcorp
Classification: Uncertain significance for Encephalopathy, acute, infection-induced (herpes-specific), susceptibility to, 1. Last evaluated: 2025-09-30. Review status: criteria provided, single submitter. Criteria: Invitae Variant Classification Sherloc (09022015). Collection method: clinical testing. Allele origin: germline.
Comment: This sequence change replaces histidine, which is basic and polar, with tyrosine, which is neutral and polar, at codon 904 of the TLR3 protein (p.His904Tyr). This variant is present in population databases (rs368223739, gnomAD 0.01%). This variant has not been reported in the literature in individuals affected with TLR3-related conditions. ClinVar contains an entry for this variant (Variation ID: 856926). An algorithm developed to predict the effect of missense changes on protein structure and function outputs the following: PolyPhen-2: "Benign". The tyrosine amino acid residue is found in multiple mammalian species, which suggests that this missense change does not adversely affect protein function. In summary, the available evidence is currently insufficient to determine the role of this variant in disease. Therefore, it has been classified as a Variant of Uncertain Significance.

Ambry Genetics
Classification: Uncertain significance. Last evaluated: 2023-02-15. Review status: criteria provided, single submitter. Criteria: Ambry Variant Classification Scheme 2023. Collection method: clinical testing. Allele origin: germline.